The following is an entry in ClinVar:

NM_006231.4(POLE):c.17G>A (p.Gly6Asp)

Genes: POLE (DNA polymerase epsilon, catalytic subunit; minus strand), LOC130009266 (ATAC-STARR-seq lymphoblastoid silent region 5123; plus strand). Cytogenetic location: 12q24.33.
Variant type: single nucleotide variant.
Coding change: c.17G>A on transcript NM_006231.4 (MANE Select); coding-DNA position 17, G replaced by A.
Protein change: p.Gly6Asp; replaces glycine 6 with aspartic acid.
Molecular consequence: missense variant.
Genome position (GRCh38, 1-based): chr12:132,687,299, C>T on the plus strand (G>A on the coding strand, the complement: POLE is on the minus strand). VCF-style: chr12-132687299-C-T. GRCh37 (hg19) VCF-style: chr12-133263885-C-T.
Other names: short protein forms G6D.
Identifiers: ClinVar variation 405817 (VCV000405817.10), dbSNP rs772972882, ClinGen allele CA6894472.
Genomic context (GRCh38, chr12:132,687,299, plus strand): 5'-GAGGGCGCCCCTCACCTGCTGGCCTCGCCATCCGCGCCTGGGTCCGCGCGCCGCCGCCCG[C>T]CGCTCCTCAGAGACATGGAGCCGTTGGCTACCACCTCTGCTTCAGGGGAGAAATTTGGCG-3'
Protein context (NP_006222.2, residues 1-16): MSLRS[Gly6Asp]GRRRADPGAD

ClinVar aggregate classification (germline): Conflicting classifications of pathogenicity. Review status: criteria provided, conflicting classifications (1 of 4 stars). 3 submissions from 3 submitters: Uncertain significance (2); Likely benign (1). Last evaluated 2025-11-13.

Conditions:
Hereditary cancer-predisposing syndrome. Also called: Hereditary Cancer Syndrome; Hereditary neoplastic syndrome; Neoplastic Syndromes, Hereditary; Tumor predisposition. Identifiers: Orphanet 140162, MedGen C0027672, MeSH D009386, MONDO:0015356.

Allele frequency attached by ClinVar (database versions not stated): gnomAD exomes below 0.00001; TOPMed below 0.00001; gnomAD 0.00001; ExAC 0.00009.
gnomAD v4.1: 3 of 1,505,716 alleles (0.0002%); highest among the groups gnomAD compares: Admixed American, 0.0042%; no homozygotes.

Submissions (3):

Labcorp Genetics (formerly Invitae), Labcorp
Classification: Uncertain significance. Last evaluated: 2025-11-13. Review status: criteria provided, single submitter. Criteria: Invitae Variant Classification Sherloc (09022015). Collection method: clinical testing. Allele origin: germline.
Comment: This sequence change replaces glycine, which is neutral and non-polar, with aspartic acid, which is acidic and polar, at codon 6 of the POLE protein (p.Gly6Asp). The frequency data for this variant in the population databases is considered unreliable, as metrics indicate poor data quality at this position in the gnomAD database. This variant has not been reported in the literature in individuals affected with POLE-related conditions. ClinVar contains an entry for this variant (Variation ID: 405817). Experimental studies and prediction algorithms are not available or were not evaluated, and the functional significance of this variant is currently unknown. In summary, the available evidence is currently insufficient to determine the role of this variant in disease. Therefore, it has been classified as a Variant of Uncertain Significance.

Ambry Genetics
Classification: Likely benign for Hereditary cancer-predisposing syndrome. Last evaluated: 2025-01-19. Review status: criteria provided, single submitter. Criteria: Ambry Variant Classification Scheme 2023. Collection method: clinical testing. Allele origin: germline.

GeneDx
Classification: Uncertain significance. Last evaluated: 2020-11-19. Review status: criteria provided, single submitter. Criteria: GeneDx Variant Classification Process June 2021. Collection method: clinical testing. Allele origin: germline. Affected: yes.
Comment: Not observed at a significant frequency in large population cohorts (Lek et al., 2016); In silico analysis supports that this missense variant does not alter protein structure/function; Has not been previously published as pathogenic or benign to our knowledge